The following is an entry in ClinVar:

ClinVar aggregate classification (germline): Benign. Review status: criteria provided, multiple submitters, no conflicts (2 of 4 stars). 4 submissions from 4 submitters: Benign (4). Last evaluated 2018-06-29.

Conditions:
ALG3-congenital disorder of glycosylation. Also called: CARBOHYDRATE-DEFICIENT GLYCOPROTEIN SYNDROME, TYPE IV; CDGS, TYPE IV; ALG3-CDG; CONGENITAL DISORDER OF GLYCOSYLATION, TYPE Id; CDG Id. Identifiers: Orphanet 79321, MedGen C1832736, MONDO:0010998, OMIM 601110.

Allele frequency attached by ClinVar (database versions not stated): gnomAD exomes 0.20986 and 0.22420; ESP Exome Variant Server 0.22315; 1000 Genomes Project 0.24900; gnomAD 0.23709 and 0.23812; TOPMed 0.23874; 1000 Genomes Project 30x 0.25203; ExAC 0.31604.
gnomAD v4.1: 357,901 of 1,588,802 alleles (23%); highest among the groups gnomAD compares: African/African-American, 29%; 41,130 homozygotes.

Submissions (4):

GeneDx
Classification: Benign. Last evaluated: 2018-06-29. Review status: criteria provided, single submitter. Criteria: GeneDx Variant Classification Process June 2021. Collection method: clinical testing. Allele origin: germline. Affected: yes.

Illumina Laboratory Services, Illumina
Classification: Benign for ALG3-congenital disorder of glycosylation. Last evaluated: 2018-01-13. Review status: criteria provided, single submitter. Criteria: ICSL Variant Classification Criteria 13 December 2019. Collection method: clinical testing. Allele origin: germline.
Comment: This variant was observed in the ICSL laboratory as part of a predisposition screen in an ostensibly healthy population. It had not been previously curated by ICSL or reported in the Human Gene Mutation Database (HGMD: prior to June 1st, 2018), and was therefore a candidate for classification through an automated scoring system. Utilizing variant allele frequency, disease prevalence and penetrance estimates, and inheritance mode, an automated score was calculated to assess if this variant is too frequent to cause the disease. Based on the score and internal cut-off values, a variant classified as benign is not then subjected to further curation. The score for this variant resulted in a classification of benign for this disease.

Breakthrough Genomics
Classification: Benign. Review status: criteria provided, single submitter. Criteria: ACMG Guidelines, 2015. Collection method: not provided. Allele origin: germline. Inheritance: Autosomal recessive inheritance. Affected: yes.

PreventionGenetics, part of Exact Sciences
Classification: Benign. Review status: criteria provided, single submitter. Criteria: ACMG Guidelines, 2015. Collection method: clinical testing. Allele origin: germline.

NM_005787.6(ALG3):c.*50T>G

Gene: ALG3 (ALG3 alpha-1,3- mannosyltransferase; minus strand). Cytogenetic location: 3q27.1.
Variant type: single nucleotide variant.
Coding change: c.*50T>G on transcript NM_005787.6 (MANE Select); 50 bases downstream of the stop codon, T replaced by G.
Molecular consequence: 3 prime UTR variant. On other transcripts: non-coding transcript variant (2).
Genome position (GRCh38, 1-based): chr3:184,242,464, A>C on the plus strand (T>G on the coding strand, the complement: ALG3 is on the minus strand). VCF-style: chr3-184242464-A-C. GRCh37 (hg19) VCF-style: chr3-183960252-A-C.
Other names: c.*50T>G (NM_001006941.2).
Identifiers: ClinVar variation 259884 (VCV000259884.8), dbSNP rs706584, ClinGen allele CA2729249.